The following is an entry in ClinVar:

ClinVar aggregate classification (germline): Benign/Likely benign. Review status: criteria provided, multiple submitters, no conflicts (2 of 4 stars). 2 submissions from 2 submitters: Benign (1); Likely benign (1). Last evaluated 2025-01-09.

Conditions:
Hereditary cancer-predisposing syndrome. Also called: Neoplastic Syndromes, Hereditary; Tumor predisposition; Hereditary Cancer Syndrome; Hereditary neoplastic syndrome. Identifiers: Orphanet 140162, MedGen C0027672, MeSH D009386, MONDO:0015356.
Lynch syndrome 5 (LYNCH5). Also called: Colorectal cancer, hereditary nonpolyposis, type 5; Hereditary non-polyposis colorectal cancer, type 5. Identifiers: Orphanet 144, MedGen C1833477, MONDO:0013710, OMIM 614350. Disease mechanism: loss of function.

Submissions (2):

Myriad Genetics, Inc.
Classification: Benign for Lynch syndrome 5. Last evaluated: 2025-01-09. Review status: criteria provided, single submitter. Criteria: Myriad Autosomal Dominant, Autosomal Recessive and X-Linked Classification Criteria (2023). Collection method: clinical testing. Allele origin: unknown.
Comment: This variant is considered benign. This variant is a silent/synonymous amino acid change and it is not expected to impact splicing.

Ambry Genetics
Classification: Likely benign for Hereditary cancer-predisposing syndrome. Last evaluated: 2021-07-06. Review status: criteria provided, single submitter. Criteria: Ambry Variant Classification Scheme 2023. Collection method: clinical testing. Allele origin: germline.

NM_000179.3(MSH6):c.4083G>A (p.Ter1361=)

Gene: MSH6 (mutS homolog 6; plus strand). Cytogenetic location: 2p16.3.
Variant type: single nucleotide variant.
Coding change: c.4083G>A on transcript NM_000179.3 (MANE Select); coding-DNA position 4083, G replaced by A.
Protein change: p.Ter1361=.
Molecular consequence: synonymous variant.
Genome position (GRCh38, 1-based): chr2:47,806,860, G>A. VCF-style: chr2-47806860-G-A. GRCh37 (hg19) VCF-style: chr2-48033999-G-A.
Other names: c.3693G>A, p.Ter1231= (NM_001281492.2); c.3177G>A, p.Ter1059= (NM_001281493.2, NM_001281494.2, NM_001406811.1 and 6 more transcripts); c.4179G>A, p.Ter1393= (NM_001406795.1); c.4083G>A, p.Ter1361= (NM_001406796.1, NM_001406809.1); c.3786G>A, p.Ter1262= (NM_001406797.1, NM_001406805.1, NM_001406818.1 and 8 more transcripts); c.3909G>A, p.Ter1303= (NM_001406798.1); c.3558G>A, p.Ter1186= (NM_001406799.1, NM_001406806.1, NM_001406807.1); c.*104G>A (NM_001406800.1); and 9 more.
Identifiers: ClinVar variation 1737650 (VCV001737650.3), dbSNP rs1553334125, ClinGen allele CA425998848.